The following is an entry in ClinVar:

NM_001235.5(SERPINH1):c.915C>T (p.Ser305=)

Gene: SERPINH1 (serpin family H member 1; plus strand). Cytogenetic location: 11q13.5.
Variant type: single nucleotide variant.
Coding change: c.915C>T on transcript NM_001235.5 (MANE Select); coding-DNA position 915, C replaced by T.
Protein change: p.Ser305=; no amino-acid change (serine 305 retained).
Molecular consequence: synonymous variant.
Genome position (GRCh38, 1-based): chr11:75,569,132, C>T. VCF-style: chr11-75569132-C-T. GRCh37 (hg19) VCF-style: chr11-75280177-C-T.
Other names: c.915C>T, p.Ser305= (NM_001207014.3).
Identifiers: ClinVar variation 786202 (VCV000786202.11), dbSNP rs147740415, ClinGen allele CA6190958.

ClinVar aggregate classification (germline): Likely benign. Review status: criteria provided, single submitter (1 of 4 stars). 2 submissions from 2 submitters: Likely benign (1). 1 of the submissions does not count toward it. Last evaluated 2025-09-03.

Conditions:
SERPINH1-related disorder. Also called: SERPINH1-related condition.

Allele frequency attached by ClinVar (database versions not stated): gnomAD exomes 0.00004 and 0.00017; ExAC 0.00019; ESP Exome Variant Server 0.00046; gnomAD 0.00056 and 0.00057; TOPMed 0.00064; 1000 Genomes Project 0.00080; 1000 Genomes Project 30x 0.00094.
gnomAD v4.1: 143 of 1,613,498 alleles (0.0089%); highest among the groups gnomAD compares: African/African-American, 0.17%; 1 homozygote.

Submissions (2):

Labcorp Genetics (formerly Invitae), Labcorp
Classification: Likely benign. Last evaluated: 2025-09-03. Review status: criteria provided, single submitter. Criteria: Invitae Variant Classification Sherloc (09022015). Collection method: clinical testing. Allele origin: germline.

PreventionGenetics, part of Exact Sciences
Classification: Likely benign for SERPINH1-related condition. Last evaluated: 2019-03-29. Review status: no assertion criteria provided. Collection method: clinical testing. Allele origin: germline. Not counted in ClinVar's aggregate classification.
Comment: This variant is classified as likely benign based on ACMG/AMP sequence variant interpretation guidelines (Richards et al. 2015 PMID: 25741868, with internal and published modifications).